The following is an entry in ClinVar:

ClinVar aggregate classification (germline): Uncertain significance. Review status: criteria provided, multiple submitters, no conflicts (2 of 4 stars). 2 submissions from 2 submitters: Uncertain significance (2). Last evaluated 2020-12-31.

Conditions:
Cardiovascular phenotype. Identifiers: MedGen CN230736.
Arrhythmogenic right ventricular dysplasia 8 (ARVD8). Also called: Arrhythmogenic Right Ventricular Dysplasia/Cardiomyopathy 8; ARRHYTHMOGENIC RIGHT VENTRICULAR DYSPLASIA, FAMILIAL, 8; ARRHYTHMOGENIC RIGHT VENTRICULAR CARDIOMYOPATHY 8. Identifiers: MedGen C1843896, MONDO:0011831, OMIM 607450.
Arrhythmogenic cardiomyopathy with wooly hair and keratoderma. Also called: Carvajal syndrome; PALMOPLANTAR KERATODERMA WITH LEFT VENTRICULAR CARDIOMYOPATHY AND WOOLLY HAIR; Dilated cardiomyopathy with woolly hair and keratoderma; Arrhythmogenic cardiomyopathy with woolly hair and keratoderma. Identifiers: Orphanet 65282, MedGen C1854063, MONDO:0011581, OMIM 605676.

Submissions (2):

Labcorp Genetics (formerly Invitae), Labcorp
Classification: Uncertain significance for Arrhythmogenic cardiomyopathy with wooly hair and keratoderma; Arrhythmogenic right ventricular dysplasia 8. Last evaluated: 2020-12-31. Review status: criteria provided, single submitter. Criteria: Invitae Variant Classification Sherloc (09022015). Collection method: clinical testing. Allele origin: germline.
Comment: This variant is not present in population databases (ExAC no frequency). In summary, the available evidence is currently insufficient to determine the role of this variant in disease. Therefore, it has been classified as a Variant of Uncertain Significance. Algorithms developed to predict the effect of missense changes on protein structure and function output the following: SIFT: "Tolerated"; PolyPhen-2: "Benign"; Align-GVGD: "Class C0". The arginine amino acid residue is found in multiple mammalian species, suggesting that this missense change does not adversely affect protein function. These predictions have not been confirmed by published functional studies and their clinical significance is uncertain. This variant has not been reported in the literature in individuals with DSP-related conditions. This sequence change replaces lysine with arginine at codon 1590 of the DSP protein (p.Lys1590Arg). The lysine residue is moderately conserved and there is a small physicochemical difference between lysine and arginine.

Ambry Genetics
Classification: Uncertain significance for Cardiovascular phenotype. Last evaluated: 2020-01-03. Review status: criteria provided, single submitter. Criteria: Ambry Variant Classification Scheme 2023. Collection method: clinical testing. Allele origin: germline.
Comment: The p.K1590R variant (also known as c.4769A>G), located in coding exon 23 of the DSP gene, results from an A to G substitution at nucleotide position 4769. The lysine at codon 1590 is replaced by arginine, an amino acid with highly similar properties. This amino acid position is not well conserved in available vertebrate species, and arginine is the reference amino acid in other vertebrate species. In addition, this alteration is predicted to be tolerated by in silico analysis. Since supporting evidence is limited at this time, the clinical significance of this alteration remains unclear.

NM_004415.4(DSP):c.4769A>G (p.Lys1590Arg)

Gene: DSP (desmoplakin; plus strand). Cytogenetic location: 6p24.3.
Variant type: single nucleotide variant.
Coding change: c.4769A>G on transcript NM_004415.4 (MANE Select); coding-DNA position 4769, A replaced by G.
Protein change: p.Lys1590Arg; replaces lysine 1590 with arginine.
Molecular consequence: missense variant. On other transcripts: intron variant (2).
Genome position (GRCh38, 1-based): chr6:7,580,959, A>G. VCF-style: chr6-7580959-A-G. GRCh37 (hg19) VCF-style: chr6-7581192-A-G.
Other names: c.4050+719A>G (NM_001319034.2); c.3582+1187A>G (NM_001008844.3); short protein forms K1590R.
Identifiers: ClinVar variation 1361579 (VCV001361579.10), dbSNP rs2113694864, ClinGen allele CA362687113.